The following is an entry in ClinVar:

NM_000059.4(BRCA2):c.*855C>A

Gene: BRCA2 (BRCA2 DNA repair associated; plus strand). Cytogenetic location: 13q13.1.
Variant type: single nucleotide variant.
Coding change: c.*855C>A on transcript NM_000059.4 (MANE Select); 855 bases downstream of the stop codon, C replaced by A.
Molecular consequence: 3 prime UTR variant.
Genome position (GRCh38, 1-based): chr13:32,399,625, C>A. VCF-style: chr13-32399625-C-A. GRCh37 (hg19) VCF-style: chr13-32973762-C-A.
Identifiers: ClinVar variation 264953 (VCV000264953.1), dbSNP rs144947432, ClinGen allele CA10588182.

ClinVar aggregate classification (germline): Benign (3 of 4 stars; one submission).

Conditions:
Breast-ovarian cancer, familial, susceptibility to, 2 (BROVCA2). Also called: BRCA2 Hereditary Breast and Ovarian Cancer. Identifiers: Orphanet 145, MedGen C2675520, MONDO:0012933, OMIM 612555. Disease mechanism: loss of function.

Allele frequency attached by ClinVar (database versions not stated): gnomAD exomes 0.00025; gnomAD 0.00236; TOPMed 0.00299; 1000 Genomes Project 0.00459; 1000 Genomes Project 30x 0.00531.
gnomAD v4.1: 409 of 177,630 alleles (0.23%); highest among the groups gnomAD compares: African/African-American, 0.89%; no homozygotes.

Submission:

Evidence-based Network for the Interpretation of Germline Mutant Alleles (ENIGMA)
Classification: Benign for Breast-ovarian cancer, familial, susceptibility to, 2. Last evaluated: 2016-09-28. Review status: reviewed by expert panel. Criteria: ENIGMA BRCA1/2 Classification Criteria (2015). Collection method: curation. Allele origin: germline.
Comment: Class 1 not pathogenic based on frequency >1% in an outbred sampleset. Frequency 0.0174 (African), derived from 1000 genomes (2013-05-02).